The following is an entry in ClinVar:

ClinVar aggregate classification (germline): Uncertain significance. Review status: criteria provided, multiple submitters, no conflicts (2 of 4 stars). 2 submissions from 2 submitters: Uncertain significance (2). Last evaluated 2021-10-14.

Conditions:
Cataract 41 (CTRCT41). Also called: CATARACT 41, CONGENITAL NUCLEAR TYPE. Identifiers: Orphanet 91492, Orphanet 98991, Orphanet 98992, Orphanet 98995, MedGen C3805412, MONDO:0007287, OMIM 116400.
Wolfram syndrome 1 (WFS1). Identifiers: Orphanet 3463, MedGen C4551693, MONDO:0009101, OMIM 222300.
Wolfram-like syndrome. Also called: HEARING LOSS, PROGRESSIVE, WITH OPTIC ATROPHY AND/OR IMPAIRED GLUCOSE REGULATION. Identifiers: Orphanet 411590, MedGen C3280358, MONDO:0013673, OMIM 614296.
Autosomal dominant nonsyndromic hearing loss 6 (LFSNHL). Also called: Autosomal dominant nonsyndromic deafness 6; DEAFNESS, AUTOSOMAL DOMINANT 6; DEAFNESS, AUTOSOMAL DOMINANT 14; DEAFNESS, AUTOSOMAL DOMINANT 38. Identifiers: Orphanet 90635, MedGen C1833021, MONDO:0010963, OMIM 600965.
Type 2 diabetes mellitus. Also called: Type II diabetes mellitus. Identifiers: MedGen C0011860, MeSH D003924, MONDO:0005148, OMIM 125853, HP:0005978.

Allele frequency attached by ClinVar (database versions not stated): gnomAD exomes below 0.00001 and 0.00002; gnomAD 0.00001; ExAC 0.00002.
gnomAD v4.1: 2 of 1,612,762 alleles (0.00012%); highest among the groups gnomAD compares: East Asian, 0.0045%; no homozygotes.

Submissions (2):

Labcorp Genetics (formerly Invitae), Labcorp
Classification: Uncertain significance. Last evaluated: 2021-10-14. Review status: criteria provided, single submitter. Criteria: Invitae Variant Classification Sherloc (09022015). Collection method: clinical testing. Allele origin: germline.
Comment: Algorithms developed to predict the effect of missense changes on protein structure and function are either unavailable or do not agree on the potential impact of this missense change (SIFT: "Tolerated"; PolyPhen-2: "Possibly Damaging"; Align-GVGD: "Class C0"). This variant has not been reported in the literature in individuals affected with WFS1-related conditions. This variant is present in population databases (rs772022154, ExAC 0.02%). This sequence change replaces serine with isoleucine at codon 715 of the WFS1 protein (p.Ser715Ile). The serine residue is highly conserved and there is a large physicochemical difference between serine and isoleucine. In summary, the available evidence is currently insufficient to determine the role of this variant in disease. Therefore, it has been classified as a Variant of Uncertain Significance.

Juno Genomics, Hangzhou Juno Genomics, Inc
Classification: Uncertain significance for Cataract 41; Type 2 diabetes mellitus; Autosomal dominant nonsyndromic hearing loss 6; Wolfram syndrome 1; Wolfram-like syndrome. Review status: criteria provided, single submitter. Criteria: ACMG Guidelines, 2015. Collection method: clinical testing. Allele origin: germline.
Comment: Absent from controls (or at extremely low frequency if recessive) in Genome Aggregation Database.;Multiple lines of computational evidence support a deleterious effect on the gene or gene product.

NM_006005.3(WFS1):c.2144G>T (p.Ser715Ile)

Gene: WFS1 (wolframin ER transmembrane glycoprotein; plus strand). Cytogenetic location: 4p16.1.
Variant type: single nucleotide variant.
Coding change: c.2144G>T on transcript NM_006005.3 (MANE Select); coding-DNA position 2144, G replaced by T.
Protein change: p.Ser715Ile; replaces serine 715 with isoleucine.
Molecular consequence: missense variant.
Genome position (GRCh38, 1-based): chr4:6,301,939, G>T. VCF-style: chr4-6301939-G-T. GRCh37 (hg19) VCF-style: chr4-6303666-G-T.
Other names: c.2144G>T, p.Ser715Ile (NM_001145853.1); short protein forms S715I.
Identifiers: ClinVar variation 1366437 (VCV001366437.8), dbSNP rs772022154, ClinGen allele CA2839618.
Genomic context (GRCh38, chr4:6,301,939, plus strand): 5'-GCCACAGGGTCACGTGGACCGGCCGCTTCAAGTACGTCCGCGTGACTGACATCGACAACA[G>T]CGCCGAGTCTGCCATCAACATGCTCCCGTTCTTCATCGGCGACTGGATGCGCTGCCTCTA-3'
Protein context (NP_005996.2, residues 705-725): KYVRVTDIDN[Ser715Ile]AESAINMLPF